The following is an entry in ClinVar:

ClinVar aggregate classification (germline): Uncertain significance (1 of 4 stars; one submission).

Allele frequency attached by ClinVar (database versions not stated): gnomAD exomes below 0.00001.

Submission:

Labcorp Genetics (formerly Invitae), Labcorp
Classification: Uncertain significance. Last evaluated: 2023-03-23. Review status: criteria provided, single submitter. Criteria: Invitae Variant Classification Sherloc (09022015). Collection method: clinical testing. Allele origin: germline.
Comment: This sequence change replaces histidine, which is basic and polar, with arginine, which is basic and polar, at codon 278 of the IRF4 protein (p.His278Arg). This variant is not present in population databases (gnomAD no frequency). This variant has not been reported in the literature in individuals affected with IRF4-related conditions. An algorithm developed to predict the effect of missense changes on protein structure and function (PolyPhen-2) suggests that this variant is likely to be tolerated. In summary, the available evidence is currently insufficient to determine the role of this variant in disease. Therefore, it has been classified as a Variant of Uncertain Significance.

NM_002460.4(IRF4):c.833A>G (p.His278Arg)

Gene: IRF4 (interferon regulatory factor 4; plus strand). Cytogenetic location: 6p25.3.
Variant type: single nucleotide variant.
Coding change: c.833A>G on transcript NM_002460.4 (MANE Select); coding-DNA position 833, A replaced by G.
Protein change: p.His278Arg; replaces histidine 278 with arginine.
Molecular consequence: missense variant. On other transcripts: non-coding transcript variant (1).
Genome position (GRCh38, 1-based): chr6:401,511, A>G. VCF-style: chr6-401511-A-G. GRCh37 (hg19) VCF-style: chr6-401511-A-G.
Other names: c.830A>G, p.His277Arg (NM_001195286.2); short protein forms H277R, H278R.
Identifiers: ClinVar variation 2848868 (VCV002848868.3), dbSNP rs1761400422, ClinGen allele CA362548818.